The following is an entry in ClinVar:

ClinVar aggregate classification (germline): Uncertain significance (1 of 4 stars; one submission).

Conditions:
Mendelian susceptibility to mycobacterial diseases due to complete ISG15 deficiency. Also called: Immunodeficiency 38; IMMUNODEFICIENCY 38, MYCOBACTERIOSIS, AUTOSOMAL RECESSIVE; ISG15 DEFICIENCY, AUTOSOMAL RECESSIVE; Immunodeficiency 38 with basal ganglia calcification. Identifiers: Orphanet 319563, MedGen C4015293, MONDO:0014502, OMIM 616126.

Allele frequency attached by ClinVar (database versions not stated): TOPMed 0.00001.
gnomAD v4.1: 7 of 1,613,460 alleles (0.00043%); highest among the groups gnomAD compares: South Asian, 0.0033%; no homozygotes.

Submission:

Labcorp Genetics (formerly Invitae), Labcorp
Classification: Uncertain significance for Mendelian susceptibility to mycobacterial diseases due to complete ISG15 deficiency. Last evaluated: 2019-07-25. Review status: criteria provided, single submitter. Criteria: Invitae Variant Classification Sherloc (09022015). Collection method: clinical testing. Allele origin: germline.
Comment: In summary, the available evidence is currently insufficient to determine the role of this variant in disease. Therefore, it has been classified as a Variant of Uncertain Significance. Algorithms developed to predict the effect of missense changes on protein structure and function are either unavailable or do not agree on the potential impact of this missense change (SIFT: "Tolerated"; PolyPhen-2: "Possibly Damaging"; Align-GVGD: "Class C0"). This variant has not been reported in the literature in individuals with ISG15-related conditions. This variant is present in population databases (rs776045519, ExAC 0.006%). This sequence change replaces threonine with methionine at codon 101 of the ISG15 protein (p.Thr101Met). The threonine residue is weakly conserved and there is a moderate physicochemical difference between threonine and methionine.

NM_005101.4(ISG15):c.302C>T (p.Thr101Met)

Gene: ISG15 (ISG15 ubiquitin like modifier; plus strand). Cytogenetic location: 1p36.33.
Variant type: single nucleotide variant.
Coding change: c.302C>T on transcript NM_005101.4 (MANE Select); coding-DNA position 302, C replaced by T.
Protein change: p.Thr101Met; replaces threonine 101 with methionine.
Molecular consequence: missense variant.
Genome position (GRCh38, 1-based): chr1:1,014,282, C>T. VCF-style: chr1-1014282-C-T. GRCh37 (hg19) VCF-style: chr1-949662-C-T.
Other names: short protein forms T101M.
Identifiers: ClinVar variation 858156 (VCV000858156.9), dbSNP rs776045519, ClinGen allele CA507672.